The following is an entry in ClinVar:

NM_130468.4(CHST14):c.181G>T (p.Glu61Ter)

Genes: CHST14 (carbohydrate sulfotransferase 14; plus strand), LOC130056851 (ATAC-STARR-seq lymphoblastoid silent region 6336; plus strand). Cytogenetic location: 15q15.1.
Variant type: single nucleotide variant.
Coding change: c.181G>T on transcript NM_130468.4 (MANE Select); coding-DNA position 181, G replaced by T.
Protein change: p.Glu61Ter; replaces glutamic acid 61 with a stop codon.
Molecular consequence: nonsense.
Genome position (GRCh38, 1-based): chr15:40,471,394, G>T. VCF-style: chr15-40471394-G-T. GRCh37 (hg19) VCF-style: chr15-40763593-G-T.
Other names: short protein forms E61*.
Identifiers: ClinVar variation 3896437 (VCV003896437.2).
Genomic context (GRCh38, chr15:40,471,394, plus strand): 5'-CTGCCGTCCATGCTGATGTTTGCGGTGATCGTGGCCTCCAGCGGGCTGCTGCTCATGATC[G>T]AGCGGGGCATCCTGGCCGAGATGAAGCCCCTGCCCCTGCACCCGCCCGGCCGCGAGGGCA-3'

ClinVar aggregate classification (germline): Pathogenic (1 of 4 stars; one submission).

Conditions:
Ehlers-Danlos syndrome, musculocontractural type (EDSMC). Also called: ARTHROGRYPOSIS, DISTAL, WITH PECULIAR FACIES AND HYDRONEPHROSIS; ADDUCTED THUMB-CLUBFOOT SYNDROME; Adducted thumb, clubfoot, progressive joint and skin laxity syndrome; DUNDAR SYNDROME. Identifiers: Orphanet 2953, MedGen C1866294, MONDO:0011142.

Submission:

Women's Health and Genetics/Laboratory Corporation of America, LabCorp
Classification: Pathogenic for Ehlers-Danlos syndrome, musculocontractural type. Last evaluated: 2025-04-07. Review status: criteria provided, single submitter. Criteria: LabCorp Variant Classification Summary - May 2015. Collection method: clinical testing. Allele origin: germline.
Comment: Variant summary: CHST14 c.181G>T (p.Glu61X) results in a premature termination codon, predicted to cause a truncation of the encoded protein or absence of the protein due to nonsense mediated decay, which are commonly known mechanisms for disease. The variant was absent in 159792 control chromosomes. To our knowledge, no occurrence of c.181G>T in individuals affected with Ehlers-Danlos syndrome, musculocontractural type and no experimental evidence demonstrating its impact on protein function have been reported. No submitters have cited clinical-significance assessments for this variant to ClinVar. Based on the evidence outlined above, the variant was classified as pathogenic.